The following is an entry in ClinVar:

NM_014249.4(NR2E3):c.417_418del (p.Glu140fs)

Gene: NR2E3 (nuclear receptor subfamily 2 group E member 3; plus strand). Cytogenetic location: 15q23.
Variant type: Deletion.
Coding change: c.417_418del on transcript NM_014249.4 (MANE Select); coding-DNA positions 417 to 418, 2 bases deleted (TG; older notation c.417_418delTG).
Protein change: p.Glu140fs; shifts the reading frame from glutamic acid 140.
Molecular consequence: frameshift variant.
Genome position (GRCh38, 1-based): chr15:71,812,022-71,812,023, TG deleted. VCF-style (leftmost placement, unchanged base first): chr15-71812021-CTG-C. GRCh37 (hg19) VCF-style: chr15-72104361-CTG-C.
Other names: c.417_418del, p.Glu140fs (NM_016346.4); short protein forms E140fs.
Identifiers: ClinVar variation 1351606 (VCV001351606.6), dbSNP rs2140289423, ClinGen allele CA2573151144.

ClinVar aggregate classification (germline): Pathogenic (1 of 4 stars; one submission).

Submission:

Labcorp Genetics (formerly Invitae), Labcorp
Classification: Pathogenic. Last evaluated: 2022-04-25. Review status: criteria provided, single submitter. Criteria: Invitae Variant Classification Sherloc (09022015). Collection method: clinical testing. Allele origin: germline.
Comment: This variant is not present in population databases (gnomAD no frequency). This sequence change creates a premature translational stop signal (p.Glu140Valfs*41) in the NR2E3 gene. It is expected to result in an absent or disrupted protein product. Loss-of-function variants in NR2E3 are known to be pathogenic (PMID: 15459973, 27522502). This variant has not been reported in the literature in individuals affected with NR2E3-related conditions. For these reasons, this variant has been classified as Pathogenic.

Literature cited by the submitters: PubMed 15459973; PubMed 27522502.